The following is an entry in ClinVar:

ClinVar aggregate classification (germline): Conflicting classifications of pathogenicity. Review status: criteria provided, conflicting classifications (1 of 4 stars). 7 submissions from 7 submitters: Uncertain significance (6); Likely benign (1). Last evaluated 2026-05-20.

Conditions:
DICER1-related disorder. Also called: DICER1-related condition.
Global developmental delay - lung cysts - overgrowth - Wilms tumor syndrome. Also called: GLOBAL DEVELOPMENTAL DELAY, LUNG CYSTS, OVERGROWTH, AND WILMS TUMOR; GLOW Syndrome. Identifiers: Orphanet 404476, MedGen C4748924, MONDO:0018445, OMIM 618272.
DICER1-related tumor predisposition. Also called: DICER1 syndrome; DICER1-related pleuropulmonary blastoma cancer predisposition syndrome. Identifiers: Orphanet 284343, MedGen C3839822, MONDO:0100216.
Hereditary cancer-predisposing syndrome. Also called: Neoplastic Syndromes, Hereditary; Hereditary Cancer Syndrome; Tumor predisposition; Hereditary neoplastic syndrome. Identifiers: Orphanet 140162, MedGen C0027672, MeSH D009386, MONDO:0015356.

Allele frequency attached by ClinVar (database versions not stated): gnomAD exomes below 0.00001 and 0.00002; ExAC 0.00002; gnomAD 0.00010 and 0.00011; TOPMed 0.00017; 1000 Genomes Project 0.00040; 1000 Genomes Project 30x 0.00047.
gnomAD v4.1: 25 of 1,614,134 alleles (0.0015%); highest among the groups gnomAD compares: Admixed American, 0.032%; no homozygotes.

Submissions (7):

PreventionGenetics, part of Exact Sciences
Classification: Uncertain significance for DICER1-related condition. Last evaluated: 2026-05-20. Review status: criteria provided, single submitter. Criteria: ACMG Guidelines, 2015. Collection method: clinical testing. Allele origin: germline.
Comment: The DICER1 c.4406T>C variant is predicted to result in the amino acid substitution p.Leu1469Pro. This variant has been reported in an individual with cervical squamous cell carcinoma and endocervical adenocarcinoma (Table 2, Kim et al. 2019. PubMed ID: 30672147). This variant is reported in 0.011% of alleles in individuals of Latino descent in gnomAD and has conflicting interpretations in ClinVar, ranging from uncertain to likely benign (Variation ID: 477202). Although we suspect that this variant may be benign, at this time, the clinical significance of this variant is uncertain due to the absence of conclusive functional and genetic evidence.

Labcorp Genetics (formerly Invitae), Labcorp
Classification: Likely benign for DICER1-related tumor predisposition. Last evaluated: 2026-01-04. Review status: criteria provided, single submitter. Criteria: Invitae Variant Classification Sherloc (09022015). Collection method: clinical testing. Allele origin: germline.

GeneDx
Classification: Uncertain significance. Last evaluated: 2024-09-09. Review status: criteria provided, single submitter. Criteria: GeneDx Variant Classification Process June 2021. Collection method: clinical testing. Allele origin: germline.
Comment: Not observed at significant frequency in large population cohorts (gnomAD); In silico analysis indicates that this missense variant does not alter protein structure/function; Observed in an individual with with cervical squamous cell carcinoma and endocervical adenocarcinoma (PMID: 30672147); This variant is associated with the following publications: (PMID: 30672147)

Ambry Genetics
Classification: Uncertain significance for Hereditary cancer-predisposing syndrome. Last evaluated: 2024-08-07. Review status: criteria provided, single submitter. Criteria: Ambry Variant Classification Scheme 2023. Collection method: clinical testing. Allele origin: germline.
Comment: The p.L1469P variant (also known as c.4406T>C), located in coding exon 22 of the DICER1 gene, results from a T to C substitution at nucleotide position 4406. The leucine at codon 1469 is replaced by proline, an amino acid with similar properties. This amino acid position is highly conserved in available vertebrate species. In addition, this alteration is predicted to be deleterious by in silico analysis. Since supporting evidence is limited at this time, the clinical significance of this alteration remains unclear.

Baylor Genetics
Classification: Uncertain significance for Global developmental delay - lung cysts - overgrowth - Wilms tumor syndrome. Last evaluated: 2023-08-29. Review status: criteria provided, single submitter. Criteria: ACMG Guidelines, 2015. Collection method: clinical testing. Allele origin: unknown.

Quest Diagnostics Nichols Institute San Juan Capistrano
Classification: Uncertain significance. Last evaluated: 2023-06-12. Review status: criteria provided, single submitter. Criteria: Quest Diagnostics criteria. Collection method: clinical testing. Allele origin: unknown.
Comment: In the published literature, this variant has been reported in individuals with cervical squamous cell carcinoma and endocervical adenocarcinoma (PMID: 30672147 (2019)). The frequency of this variant in the general population, 0.00011 (4/35422 chromosomes (Genome Aggregation Database)), is uninformative in the assessment of its pathogenicity. Analysis of this variant using bioinformatics tools for the prediction of the effect of amino acid changes on protein structure and function yielded predictions that this variant is damaging. Based on the available information, we are unable to determine the clinical significance of this variant.

Sema4
Classification: Uncertain significance for Hereditary cancer-predisposing syndrome. Last evaluated: 2021-08-08. Review status: criteria provided, single submitter. Criteria: Sema4 Curation Guidelines. Collection method: curation. Allele origin: germline.
Comment: The DICER1 c.4406T>C (p.L1469P) variant has been reported in heterozygosity in at least one individual with cervical squamous cell carcinoma (PMID: 30672147). It was observed in 4/35422 chromosomes of the Latino subpopulation in the large and broad cohorts of the Genome Aggregation Database (PMID: 32461654). The variant has been reported in ClinVar (Variation ID 477202). Functional studies have not been performed, and in silico predictions of the variant's effect on protein function are inconclusive. The evidence is insufficient to meet ACMG/AMP criteria for classifying the variant as benign or pathogenic. Thus, the clinical significance of this variant is currently uncertain.

Literature cited by the submitters: PubMed 30672147 (cited by Quest Diagnostics Nichols Institute San Juan Capistrano and Sema4).

NM_177438.3(DICER1):c.4406T>C (p.Leu1469Pro)

Gene: DICER1 (dicer 1, ribonuclease III; minus strand). Cytogenetic location: 14q32.13.
Variant type: single nucleotide variant.
Coding change: c.4406T>C on transcript NM_177438.3 (MANE Select); coding-DNA position 4406, T replaced by C.
Protein change: p.Leu1469Pro; replaces leucine 1469 with proline.
Molecular consequence: missense variant.
Genome position (GRCh38, 1-based): chr14:95,096,514, A>G on the plus strand (T>C on the coding strand, the complement: DICER1 is on the minus strand). VCF-style: chr14-95096514-A-G. GRCh37 (hg19) VCF-style: chr14-95562851-A-G.
Other names: c.4406T>C, p.Leu1469Pro (NM_001195573.1, NM_001271282.3, NM_001291628.2 and 1 more transcripts); short protein forms L1469P.
Identifiers: ClinVar variation 477202 (VCV000477202.24), dbSNP rs200890670, ClinGen allele CA7330853.